The following is an entry in ClinVar:

NM_015662.3(IFT172):c.169C>T (p.Pro57Ser)

Gene: IFT172 (intraflagellar transport 172; minus strand). Cytogenetic location: 2p23.3.
Variant type: single nucleotide variant.
Coding change: c.169C>T on transcript NM_015662.3 (MANE Select); coding-DNA position 169, C replaced by T.
Protein change: p.Pro57Ser; replaces proline 57 with serine.
Molecular consequence: missense variant.
Genome position (GRCh38, 1-based): chr2:27,485,374, G>A on the plus strand (C>T on the coding strand, the complement: IFT172 is on the minus strand). VCF-style: chr2-27485374-G-A. GRCh37 (hg19) VCF-style: chr2-27708241-G-A.
Other names: c.169C>T, p.Pro57Ser (NM_001410739.1); short protein forms P57S.
Identifiers: ClinVar variation 4980147 (VCV004980147.1).
Genomic context (GRCh38, chr2:27,485,374, plus strand): 5'-ACCCCATCAATAGGTTAAATAAGGTACACATGAATACACTGTTTACCTTCATGTCAGCTG[G>A]TTTGGTGGAGAATTTATCTCTCCGTTCTCCATGTTCATCATACAGCAAGACCACTCGGTC-3'
Protein context (NP_056477.1, residues 47-67): GERRDKFSTK[Pro57Ser]ADMKYGRKSY

ClinVar aggregate classification (germline): Uncertain significance (1 of 4 stars; one submission).

Conditions:
IFT172-related disorder. Also called: IFT172-related condition; IFT172-related disorders.

gnomAD v4.1: 4 of 1,613,956 alleles (0.00025%); highest among the groups gnomAD compares: Admixed American, 0.005%; no homozygotes.

Submission:

PreventionGenetics, part of Exact Sciences
Classification: Uncertain significance for IFT172-related condition. Last evaluated: 2025-09-03. Review status: criteria provided, single submitter. Criteria: ACMG Guidelines, 2015. Collection method: clinical testing. Allele origin: germline.
Comment: The IFT172 c.169C>T variant is predicted to result in the amino acid substitution p.Pro57Ser. To our knowledge, this variant has not been reported in the literature or in a large population database, indicating this variant is rare. At this time, the clinical significance of this variant is uncertain due to the absence of conclusive functional and genetic evidence.